The following is an entry in ClinVar:

ClinVar aggregate classification (germline): Uncertain significance. Review status: criteria provided, multiple submitters, no conflicts (2 of 4 stars). 3 submissions from 3 submitters: Uncertain significance (2). 1 of the submissions does not count toward it. Last evaluated 2025-11-20.

Conditions:
DLC1-related disorder. Also called: DLC1-related condition.
Colorectal cancer. Also called: Colorectal cancer, somatic; Malignant Colorectal Neoplasm. Identifiers: MedGen C0346629, MONDO:0005575, OMIM 114500.

gnomAD v4.1: 18 of 1,613,536 alleles (0.0011%); highest among the groups gnomAD compares: African/African-American, 0.008%; no homozygotes.

Submissions (3):

Ambry Genetics
Classification: Uncertain significance. Last evaluated: 2025-11-20. Review status: criteria provided, single submitter. Criteria: Ambry Variant Classification Scheme 2023. Collection method: clinical testing. Allele origin: germline.

Fulgent Genetics
Classification: Uncertain significance for Colorectal cancer. Last evaluated: 2024-05-07. Review status: criteria provided, single submitter. Criteria: ACMG Guidelines, 2015. Collection method: clinical testing. Allele origin: germline.

PreventionGenetics, part of Exact Sciences
Classification: Uncertain significance for DLC1-related condition. Last evaluated: 2024-06-06. Review status: no assertion criteria provided. Collection method: clinical testing. Allele origin: germline. Not counted in ClinVar's aggregate classification.
Comment: The DLC1 c.3545G>A variant is predicted to result in the amino acid substitution p.Arg1182His. To our knowledge, this variant has not been reported in the literature. This variant is reported in 0.0029% of alleles in individuals of Latino descent in gnomAD. At this time, the clinical significance of this variant is uncertain due to the absence of conclusive functional and genetic evidence.

NM_182643.3(DLC1):c.3545G>A (p.Arg1182His)

Gene: DLC1 (DLC1 Rho GTPase activating protein; minus strand). Cytogenetic location: 8p22.
Variant type: single nucleotide variant.
Coding change: c.3545G>A on transcript NM_182643.3 (MANE Select); coding-DNA position 3545, G replaced by A.
Protein change: p.Arg1182His; replaces arginine 1182 with histidine.
Molecular consequence: missense variant.
Genome position (GRCh38, 1-based): chr8:13,092,807, C>T on the plus strand (G>A on the coding strand, the complement: DLC1 is on the minus strand). VCF-style: chr8-13092807-C-T. GRCh37 (hg19) VCF-style: chr8-12950316-C-T.
Other names: c.2012G>A, p.Arg671His (NM_001164271.2, NM_001348082.2, NM_001348083.1 and 6 more transcripts); c.2336G>A, p.Arg779His (NM_001316668.2, NM_001413129.1); c.3545G>A, p.Arg1182His (NM_001348081.2, NM_001413124.1); c.2327G>A, p.Arg776His (NM_001413130.1); c.1985G>A, p.Arg662His (NM_001413131.1, NM_001413137.1); c.2471G>A, p.Arg824His (NM_001413132.1); c.2234G>A, p.Arg745His (NM_001413135.1, NM_001413136.1, NM_001413139.1 and 1 more transcripts); c.2369G>A, p.Arg790His (NM_001413140.1); short protein forms R1182H, R662H, R671H, R745H, R776H, R779H, R790H, R824H.
Identifiers: ClinVar variation 3358458 (VCV003358458.3).